The following is an entry in ClinVar:

ClinVar aggregate classification (germline): Likely benign. Review status: criteria provided, multiple submitters, no conflicts (2 of 4 stars). 3 submissions from 3 submitters: Likely benign (2). 1 of the submissions does not count toward it. Last evaluated 2026-07-01.

Conditions:
Glycogen storage disease, type II (IOPD). Also called: CARDIOMEGALIA GLYCOGENICA DIFFUSA; GLYCOGENOSIS, GENERALIZED, CARDIAC FORM; GSD II; Glycogen storage disease type 2; Acid maltase deficiency disease; Aglucosidase alfa. Identifiers: Orphanet 365, MedGen C0017921, MONDO:0009290, OMIM 232300.

Submissions (3):

Genomenon, Inc
Classification: Likely benign for Glycogen storage disease, type II. Last evaluated: 2026-07-01. Review status: criteria provided, single submitter. Criteria: Genomenon Sequence Variant Interpretation Standards - Updated. Collection method: curation. Allele origin: germline. Affected: no.
Comment: GAA c.1935C>T is a synonymous variant that retains Aspartic acid at codon 645. To our knowledge, this variant has not been reported in patients affected with a GAA-related disorder in the published literature. Well-established functional studies show no damaging effect of this variant on protein function, supporting a benign classification (PMID:36246652). It is absent or not present at a significant frequency in gnomAD. This variant is not predicted to impact splicing. In conclusion, we classify GAA c.1935C>T (p.Asp645=) as a likely benign variant.

Labcorp Genetics (formerly Invitae), Labcorp
Classification: Likely benign for Glycogen storage disease, type II. Last evaluated: 2024-01-02. Review status: criteria provided, single submitter. Criteria: Invitae Variant Classification Sherloc (09022015). Collection method: clinical testing. Allele origin: germline.

Natera, Inc.
Classification: Likely benign for Glycogen storage disease type II. Last evaluated: 2021-06-28. Review status: no assertion criteria provided. Collection method: clinical testing. Allele origin: germline. Not counted in ClinVar's aggregate classification.

Literature cited by the submitters: PubMed 36246652 (cited by Genomenon, Inc).

NM_000152.5(GAA):c.1935C>T (p.Asp645=)

Gene: GAA (alpha glucosidase; plus strand). Cytogenetic location: 17q25.3.
Variant type: single nucleotide variant.
Coding change: c.1935C>T on transcript NM_000152.5 (MANE Select); coding-DNA position 1935, C replaced by T.
Protein change: p.Asp645=; no amino-acid change (aspartic acid 645 retained).
Molecular consequence: synonymous variant.
Genome position (GRCh38, 1-based): chr17:80,112,922, C>T. VCF-style: chr17-80112922-C-T. GRCh37 (hg19) VCF-style: chr17-78086721-C-T.
Other names: c.1935C>T, p.Asp645= (NM_001079803.3, NM_001079804.3).
Identifiers: ClinVar variation 1131864 (VCV001131864.14), dbSNP rs28940868, ClinGen allele CA8815552.